The following is an entry in ClinVar:

ClinVar aggregate classification (germline): not provided (0 of 4 stars; one submission).

Submissions (2):

Cardiovascular Biomedical Research Unit, Royal Brompton & Harefield NHS Foundation Trust
No classification provided. Review status: no classification provided. Collection method: literature only. Allele origin: germline.
Comment: This variant has been reported in the following publications (PMID:10428953).

Roden Lab, Vanderbilt University Medical Center
No classification provided (evidence only). Condition: Long QT syndrome 5. Review status: no classification provided. Collection method: in vitro. Allele origin: not applicable. Functional consequence: Effect on ion channel function. Not counted in ClinVar's aggregate classification.
ClinVar note: "not provided" was previously submitted as the classification for the variant. However, the classification appeared to be based only on an observation of functional data so it was converted to no classification on 2025-07-30.

Literature cited by the submitters: PubMed 10428953 (cited by Cardiovascular Biomedical Research Unit, Royal Brompton & Harefield NHS Foundation Trust); PubMed 22581653 (cited by Cardiovascular Biomedical Research Unit, Royal Brompton & Harefield NHS Foundation Trust).

NM_000219.6(KCNE1):c.242A>T (p.Tyr81Phe)

Gene: KCNE1 (potassium voltage-gated channel subfamily E regulatory subunit 1; minus strand). Cytogenetic location: 21q22.12.
Variant type: single nucleotide variant.
Coding change: c.242A>T on transcript NM_000219.6 (MANE Select); coding-DNA position 242, A replaced by T.
Protein change: p.Tyr81Phe; replaces tyrosine 81 with phenylalanine.
Molecular consequence: missense variant.
Genome position (GRCh38, 1-based): chr21:34,449,393, T>A on the plus strand (A>T on the coding strand, the complement: KCNE1 is on the minus strand). VCF-style: chr21-34449393-T-A. GRCh37 (hg19) VCF-style: chr21-35821691-T-A.
Other names: c.242A>T, p.Tyr81Phe (NM_001127668.4, NM_001127669.4, NM_001127670.4 and 4 more transcripts); c.242A>T (LRG_290t1); short protein forms Y81F.
Identifiers: ClinVar variation 132672 (VCV000132672.3), dbSNP rs199473359, ClinGen allele CA231717.